The following is an entry in ClinVar:

NM_005045.4(RELN):c.5656A>G (p.Ile1886Val)

Gene: RELN (reelin; minus strand). Cytogenetic location: 7q22.1.
Variant type: single nucleotide variant.
Coding change: c.5656A>G on transcript NM_005045.4 (MANE Select); coding-DNA position 5656, A replaced by G.
Protein change: p.Ile1886Val; replaces isoleucine 1886 with valine.
Molecular consequence: missense variant.
Genome position (GRCh38, 1-based): chr7:103,557,118, T>C on the plus strand (A>G on the coding strand, the complement: RELN is on the minus strand). VCF-style: chr7-103557118-T-C. GRCh37 (hg19) VCF-style: chr7-103197565-T-C.
Other names: c.5656A>G, p.Ile1886Val (NM_173054.3); short protein forms I1886V.
Identifiers: ClinVar variation 2305567 (VCV002305567.27), dbSNP rs1204165079, ClinGen allele CA368741886.

ClinVar aggregate classification (germline): Uncertain significance. Review status: criteria provided, multiple submitters, no conflicts (2 of 4 stars). 2 submissions from 2 submitters: Uncertain significance (2). Last evaluated 2025-08-24.

Conditions:
Inborn genetic diseases. Identifiers: MedGen C0950123, MeSH D030342.

Allele frequency attached by ClinVar (database versions not stated): TOPMed below 0.00001; gnomAD 0.00001; gnomAD exomes 0.00001.
gnomAD v4.1: 15 of 1,613,676 alleles (0.00093%); highest among the groups gnomAD compares: Non-Finnish European, 0.00093%; no homozygotes.

Submissions (2):

Ambry Genetics
Classification: Uncertain significance for Inborn genetic diseases. Last evaluated: 2025-08-24. Review status: criteria provided, single submitter. Criteria: Ambry Variant Classification Scheme 2023. Collection method: clinical testing. Allele origin: germline.

CeGaT Center for Human Genetics Tuebingen
Classification: Uncertain significance. Last evaluated: 2023-06-01. Review status: criteria provided, single submitter. Criteria: CeGaT Center For Human Genetics Tuebingen Variant Classification Criteria Version 2. Collection method: clinical testing. Allele origin: germline. Affected: yes. Observed: 1 variant allele.
Comment: RELN: PM2, PM3:Supporting, BP4